The following is an entry in ClinVar:

NM_018127.7(ELAC2):c.286C>T (p.Gln96Ter)

Gene: ELAC2 (elaC ribonuclease Z 2; minus strand). Cytogenetic location: 17p12.
Variant type: single nucleotide variant.
Coding change: c.286C>T on transcript NM_018127.7 (MANE Select); coding-DNA position 286, C replaced by T.
Protein change: p.Gln96Ter; replaces glutamine 96 with a stop codon.
Molecular consequence: nonsense.
Genome position (GRCh38, 1-based): chr17:13,017,081, G>A on the plus strand (C>T on the coding strand, the complement: ELAC2 is on the minus strand). VCF-style: chr17-13017081-G-A. GRCh37 (hg19) VCF-style: chr17-12920398-G-A.
Other names: c.286C>T, p.Gln96Ter (NM_001165962.2, NM_173717.2); short protein forms Q96*.
Identifiers: ClinVar variation 1954940 (VCV001954940.5), dbSNP rs2508391449, ClinGen allele CA398218564.

ClinVar aggregate classification (germline): Pathogenic (1 of 4 stars; one submission).

Conditions:
Combined oxidative phosphorylation defect type 17. Also called: Combined oxidative phosphorylation deficiency 17. Identifiers: Orphanet 369913, MedGen C3809526, MONDO:0014190, OMIM 615440.

Allele frequency attached by ClinVar (database versions not stated): gnomAD exomes below 0.00001.

Submission:

Labcorp Genetics (formerly Invitae), Labcorp
Classification: Pathogenic for Combined oxidative phosphorylation defect type 17. Last evaluated: 2022-06-27. Review status: criteria provided, single submitter. Criteria: Invitae Variant Classification Sherloc (09022015). Collection method: clinical testing. Allele origin: germline.
Comment: For these reasons, this variant has been classified as Pathogenic. This variant has not been reported in the literature in individuals affected with ELAC2-related conditions. This variant is not present in population databases (gnomAD no frequency). This sequence change creates a premature translational stop signal (p.Gln96*) in the ELAC2 gene. It is expected to result in an absent or disrupted protein product. Loss-of-function variants in ELAC2 are known to be pathogenic (PMID: 27769300, 31045291).

Literature cited by the submitters: PubMed 27769300; PubMed 31045291.